The following is an entry in ClinVar:

ClinVar aggregate classification (germline): Uncertain significance (1 of 4 stars; one submission).

Conditions:
Progressive microcephaly-seizures-cortical blindness-developmental delay syndrome. Also called: Seizures, cortical blindness, and microcephaly syndrome. Identifiers: Orphanet 477814, MedGen C5567650, MONDO:0014714, OMIM 616632.
Autosomal dominant nonsyndromic hearing loss 1. Also called: DEAFNESS, AUTOSOMAL DOMINANT 1, WITH OR WITHOUT THROMBOCYTOPENIA; KONIGSMARK SYNDROME. Identifiers: Orphanet 90635, MedGen C1852282, MONDO:0007424, OMIM 124900.

Submission:

Labcorp Genetics (formerly Invitae), Labcorp
Classification: Uncertain significance for Progressive microcephaly-seizures-cortical blindness-developmental delay syndrome; Autosomal dominant nonsyndromic hearing loss 1. Last evaluated: 2025-08-13. Review status: criteria provided, single submitter. Criteria: Invitae Variant Classification Sherloc (09022015). Collection method: clinical testing. Allele origin: germline.
Comment: This sequence change replaces glycine, which is neutral and non-polar, with cysteine, which is neutral and slightly polar, at codon 1269 of the DIAPH1 protein (p.Gly1269Cys). This variant is not present in population databases (gnomAD no frequency). This variant has not been reported in the literature in individuals affected with DIAPH1-related conditions. An algorithm developed to predict the effect of missense changes on protein structure and function (PolyPhen-2) suggests that this variant is likely to be disruptive. In summary, the available evidence is currently insufficient to determine the role of this variant in disease. Therefore, it has been classified as a Variant of Uncertain Significance.

NM_005219.5(DIAPH1):c.3805G>T (p.Gly1269Cys)

Gene: DIAPH1 (diaphanous related formin 1; minus strand). Cytogenetic location: 5q31.3.
Variant type: single nucleotide variant.
Coding change: c.3805G>T on transcript NM_005219.5 (MANE Select); coding-DNA position 3805, G replaced by T.
Protein change: p.Gly1269Cys; replaces glycine 1269 with cysteine.
Molecular consequence: missense variant. On other transcripts: 3 prime UTR variant (1).
Genome position (GRCh38, 1-based): chr5:141,516,865, C>A on the plus strand (G>T on the coding strand, the complement: DIAPH1 is on the minus strand). VCF-style: chr5-141516865-C-A. GRCh37 (hg19) VCF-style: chr5-140896432-C-A.
Other names: c.3778G>T, p.Gly1260Cys (NM_001079812.3); c.*105G>T (NM_001314007.2); short protein forms G1269C, G1260C.
Identifiers: ClinVar variation 4785866 (VCV004785866.1).